The following is an entry in ClinVar:

NM_024496.4(IRF2BPL):c.1939C>T (p.His647Tyr)

Gene: IRF2BPL (interferon regulatory factor 2 binding protein like; minus strand). Cytogenetic location: 14q24.3.
Variant type: single nucleotide variant.
Coding change: c.1939C>T on transcript NM_024496.4 (MANE Select); coding-DNA position 1939, C replaced by T.
Protein change: p.His647Tyr; replaces histidine 647 with tyrosine.
Molecular consequence: missense variant.
Genome position (GRCh38, 1-based): chr14:77,025,854, G>A on the plus strand (C>T on the coding strand, the complement: IRF2BPL is on the minus strand). VCF-style: chr14-77025854-G-A. GRCh37 (hg19) VCF-style: chr14-77492197-G-A.
Other names: short protein forms H647Y.
Identifiers: ClinVar variation 3392966 (VCV003392966.2).

ClinVar aggregate classification (germline): Uncertain significance (1 of 4 stars; one submission).

Submission:

GeneDx
Classification: Uncertain significance. Last evaluated: 2025-03-20. Review status: criteria provided, single submitter. Criteria: GeneDx Variant Classification Process June 2021. Collection method: clinical testing. Allele origin: germline.
Comment: Not observed at significant frequency in large population cohorts (gnomAD); In silico analysis supports that this missense variant has a deleterious effect on protein structure/function; Has not been previously published as pathogenic or benign to our knowledge